The following is an entry in ClinVar:

ClinVar aggregate classification (germline): Uncertain significance (1 of 4 stars; one submission).

Conditions:
Severe combined immunodeficiency due to DNA-PKcs deficiency. Also called: IMMUNODEFICIENCY 26 WITH NEUROLOGIC ABNORMALITIES; Immunodeficiency 26 with or without neurologic abnormalities. Identifiers: Orphanet 317425, MedGen C4014833, MONDO:0014423, OMIM 615966.

Submission:

Labcorp Genetics (formerly Invitae), Labcorp
Classification: Uncertain significance for Severe combined immunodeficiency due to DNA-PKcs deficiency. Last evaluated: 2025-05-18. Review status: criteria provided, single submitter. Criteria: Invitae Variant Classification Sherloc (09022015). Collection method: clinical testing. Allele origin: germline.
Comment: This sequence change replaces methionine, which is neutral and non-polar, with valine, which is neutral and non-polar, at codon 4108 of the PRKDC protein (p.Met4108Val). This variant is not present in population databases (gnomAD no frequency). This variant has not been reported in the literature in individuals affected with PRKDC-related conditions. Invitae Evidence Modeling of protein sequence and biophysical properties (such as structural, functional, and spatial information, amino acid conservation, physicochemical variation, residue mobility, and thermodynamic stability) indicates that this missense variant is not expected to disrupt PRKDC protein function with a negative predictive value of 80%. In summary, the available evidence is currently insufficient to determine the role of this variant in disease. Therefore, it has been classified as a Variant of Uncertain Significance.

NM_006904.7(PRKDC):c.12322A>G (p.Met4108Val)

Gene: PRKDC (protein kinase, DNA-activated, catalytic subunit; minus strand). Cytogenetic location: 8q11.21.
Variant type: single nucleotide variant.
Coding change: c.12322A>G on transcript NM_006904.7 (MANE Select); coding-DNA position 12322, A replaced by G.
Protein change: p.Met4108Val; replaces methionine 4108 with valine.
Molecular consequence: missense variant.
Genome position (GRCh38, 1-based): chr8:47,774,238, T>C on the plus strand (A>G on the coding strand, the complement: PRKDC is on the minus strand). VCF-style: chr8-47774238-T-C. GRCh37 (hg19) VCF-style: chr8-48686799-T-C.
Other names: c.12229A>G, p.Met4077Val (NM_001081640.2); short protein forms M4108V, M4077V.
Identifiers: ClinVar variation 4748895 (VCV004748895.1).